The following is an entry in ClinVar:

ClinVar aggregate classification (germline): Uncertain significance (1 of 4 stars; one submission).

Conditions:
TP63-Related Spectrum Disorders.

Submission:

Labcorp Genetics (formerly Invitae), Labcorp
Classification: Uncertain significance. Last evaluated: 2021-12-15. Review status: criteria provided, single submitter. Criteria: Invitae Variant Classification Sherloc (09022015). Collection method: clinical testing. Allele origin: germline.
Comment: Algorithms developed to predict the effect of missense changes on protein structure and function are either unavailable or do not agree on the potential impact of this missense change (SIFT: "Deleterious"; PolyPhen-2: "Benign"; Align-GVGD: "Class C0"). In summary, the available evidence is currently insufficient to determine the role of this variant in disease. Therefore, it has been classified as a Variant of Uncertain Significance. This sequence change replaces glutamine, which is neutral and polar, with histidine, which is basic and polar, at codon 440 of the TP63 protein (p.Gln440His). This variant is not present in population databases (gnomAD no frequency). This variant has not been reported in the literature in individuals affected with TP63-related conditions.

NM_003722.5(TP63):c.1320G>T (p.Gln440His)

Gene: TP63 (tumor protein p63; plus strand). Cytogenetic location: 3q28.
Variant type: single nucleotide variant.
Coding change: c.1320G>T on transcript NM_003722.5 (MANE Select); coding-DNA position 1320, G replaced by T.
Protein change: p.Gln440His; replaces glutamine 440 with histidine.
Molecular consequence: missense variant.
Genome position (GRCh38, 1-based): chr3:189,872,966, G>T. VCF-style: chr3-189872966-G-T. GRCh37 (hg19) VCF-style: chr3-189590755-G-T.
Other names: c.1320G>T, p.Gln440His (NM_001114978.2, NM_001114979.2, NM_001329144.2); c.1038G>T, p.Gln346His (NM_001114980.2, NM_001114981.2, NM_001114982.2 and 1 more transcripts); c.783G>T, p.Gln261His (NM_001329146.2); c.1308G>T, p.Gln436His (NM_001329148.2); c.1026G>T, p.Gln342His (NM_001329149.2); c.771G>T, p.Gln257His (NM_001329150.2); c.1314G>T, p.Gln438His (NM_001329964.2); short protein forms Q342H, Q346H, Q261H, Q440H, Q257H, Q436H, Q438H.
Identifiers: ClinVar variation 1370075 (VCV001370075.5), dbSNP rs2108818734, ClinGen allele CA355756029.
Genomic context (GRCh38, chr3:189,872,966, plus strand): 5'-CCTGGAACTCATGCAGTACCTTCCTCAGCACACAATTGAAACGTACAGGCAACAGCAACA[G>T]CAGCAGCACCAGCACTTACTTCAGAAACAGTGAGTGTATCAACGTGTCATTTTAGGAGGC-3'
Protein context (NP_003713.3, residues 430-450): HTIETYRQQQ[Gln440His]QQHQHLLQKQ